The following is an entry in ClinVar:

NM_000222.3(KIT):c.703A>G (p.Ile235Val)

Gene: KIT (KIT proto-oncogene, receptor tyrosine kinase; plus strand). Cytogenetic location: 4q12.
Variant type: single nucleotide variant.
Coding change: c.703A>G on transcript NM_000222.3 (MANE Select); coding-DNA position 703, A replaced by G.
Protein change: p.Ile235Val; replaces isoleucine 235 with valine.
Molecular consequence: missense variant.
Genome position (GRCh38, 1-based): chr4:54,699,713, A>G. VCF-style: chr4-54699713-A-G. GRCh37 (hg19) VCF-style: chr4-55565879-A-G.
Other names: c.703A>G, p.Ile235Val (NM_001093772.2, NM_001385284.1, NM_001385285.1 and 4 more transcripts); short protein forms I235V.
Identifiers: ClinVar variation 1941433 (VCV001941433.6), dbSNP rs2475457127, ClinGen allele CA356898441.

ClinVar aggregate classification (germline): Conflicting classifications of pathogenicity. Review status: criteria provided, conflicting classifications (1 of 4 stars). 2 submissions from 2 submitters: Uncertain significance (1); Likely benign (1). Last evaluated 2025-03-13.

Conditions:
Hereditary cancer-predisposing syndrome. Also called: Neoplastic Syndromes, Hereditary; Hereditary neoplastic syndrome; Hereditary Cancer Syndrome; Tumor predisposition. Identifiers: Orphanet 140162, MedGen C0027672, MeSH D009386, MONDO:0015356.
Gastrointestinal stromal tumor. Also called: Gastrointestinal stromal tumor, somatic; Gastrointestinal stroma tumor. Identifiers: Orphanet 44890, MedGen C0238198, MeSH D046152, MONDO:0011719, OMIM 606764, HP:0100723.

Allele frequency attached by ClinVar (database versions not stated): gnomAD exomes 0.00001.
gnomAD v4.1: 3 of 1,614,042 alleles (0.00019%); highest among the groups gnomAD compares: Non-Finnish European, 0.00025%; no homozygotes.

Submissions (2):

Ambry Genetics
Classification: Likely benign for Hereditary cancer-predisposing syndrome. Last evaluated: 2025-03-13. Review status: criteria provided, single submitter. Criteria: Ambry Variant Classification Scheme 2023. Collection method: clinical testing. Allele origin: germline.

Labcorp Genetics (formerly Invitae), Labcorp
Classification: Uncertain significance for Gastrointestinal stromal tumor. Last evaluated: 2024-01-10. Review status: criteria provided, single submitter. Criteria: Invitae Variant Classification Sherloc (09022015). Collection method: clinical testing. Allele origin: germline.
Comment: This sequence change replaces isoleucine, which is neutral and non-polar, with valine, which is neutral and non-polar, at codon 235 of the KIT protein (p.Ile235Val). This variant is not present in population databases (gnomAD no frequency). This variant has not been reported in the literature in individuals affected with KIT-related conditions. ClinVar contains an entry for this variant (Variation ID: 1941433). Algorithms developed to predict the effect of missense changes on protein structure and function output the following: SIFT: "Not Available"; PolyPhen-2: "Benign"; Align-GVGD: "Not Available". The valine amino acid residue is found in multiple mammalian species, which suggests that this missense change does not adversely affect protein function. In summary, the available evidence is currently insufficient to determine the role of this variant in disease. Therefore, it has been classified as a Variant of Uncertain Significance.